The following is an entry in ClinVar:

ClinVar aggregate classification (germline): Likely benign. Review status: criteria provided, multiple submitters, no conflicts (2 of 4 stars). 3 submissions from 3 submitters: Likely benign (2). 1 of the submissions does not count toward it. Last evaluated 2026-01-12.

Conditions:
SCLT1-related disorder. Also called: SCLT1-related condition.

Allele frequency attached by ClinVar (database versions not stated): gnomAD 0.00005 and 0.00006; gnomAD exomes 0.00005 and 0.00015; TOPMed 0.00006; ExAC 0.00013; 1000 Genomes Project 0.00020; 1000 Genomes Project 30x 0.00062.
gnomAD v4.1: 81 of 1,613,196 alleles (0.005%); highest among the groups gnomAD compares: East Asian, 0.17%; no homozygotes.

Submissions (3):

Labcorp Genetics (formerly Invitae), Labcorp
Classification: Likely benign. Last evaluated: 2026-01-12. Review status: criteria provided, single submitter. Criteria: Invitae Variant Classification Sherloc (09022015). Collection method: clinical testing. Allele origin: germline.

Blueprint Genetics
Classification: Likely benign. Last evaluated: 2022-11-08. Review status: criteria provided, single submitter. Criteria: ACMG Guidelines, 2015. Collection method: clinical testing. Allele origin: germline.

PreventionGenetics, part of Exact Sciences
Classification: Likely benign for SCLT1-related condition. Last evaluated: 2024-08-15. Review status: no assertion criteria provided. Collection method: clinical testing. Allele origin: germline. Not counted in ClinVar's aggregate classification.
Comment: This variant is classified as likely benign based on ACMG/AMP sequence variant interpretation guidelines (Richards et al. 2015 PMID: 25741868, with internal and published modifications).

NM_144643.4(SCLT1):c.1545A>G (p.Lys515=)

Gene: SCLT1 (sodium channel and clathrin linker 1; minus strand). Cytogenetic location: 4q28.2.
Variant type: single nucleotide variant.
Coding change: c.1545A>G on transcript NM_144643.4 (MANE Select); coding-DNA position 1545, A replaced by G.
Protein change: p.Lys515=; no amino-acid change (lysine 515 retained).
Molecular consequence: synonymous variant.
Genome position (GRCh38, 1-based): chr4:128,943,083, T>C on the plus strand (A>G on the coding strand, the complement: SCLT1 is on the minus strand). VCF-style: chr4-128943083-T-C. GRCh37 (hg19) VCF-style: chr4-129864238-T-C.
Other names: c.1545A>G (NM_144643.3).
Identifiers: ClinVar variation 1626227 (VCV001626227.10), dbSNP rs200265959, ClinGen allele CA3079591.